The following is an entry in ClinVar:

NM_022552.5(DNMT3A):c.2343T>C (p.Asp781=)

Gene: DNMT3A (DNA methyltransferase 3 alpha; minus strand). Cytogenetic location: 2p23.3.
Variant type: single nucleotide variant.
Coding change: c.2343T>C on transcript NM_022552.5 (MANE Select); coding-DNA position 2343, T replaced by C.
Protein change: p.Asp781=; no amino-acid change (aspartic acid 781 retained).
Molecular consequence: synonymous variant. On other transcripts: non-coding transcript variant (1).
Genome position (GRCh38, 1-based): chr2:25,239,195, A>G on the plus strand (T>C on the coding strand, the complement: DNMT3A is on the minus strand). VCF-style: chr2-25239195-A-G. GRCh37 (hg19) VCF-style: chr2-25462064-A-G.
Other names: c.1887T>C, p.Asp629= (NM_001320893.1); c.1674T>C, p.Asp558= (NM_001375819.1); c.1776T>C, p.Asp592= (NM_153759.3); c.2343T>C, p.Asp781= (NM_175629.2).
Identifiers: ClinVar variation 3354441 (VCV003354441.1).

ClinVar aggregate classification (germline): Likely benign (0 of 4 stars; one submission).

Conditions:
DNMT3A-related disorder. Also called: DNMT3A-related disorders; DNMT3A-related condition.

gnomAD v4.1: 2 of 1,613,948 alleles (0.00012%); highest among the groups gnomAD compares: East Asian, 0.0022%; no homozygotes.

Submission:

PreventionGenetics, part of Exact Sciences
Classification: Likely benign for DNMT3A-related condition. Last evaluated: 2024-09-04. Review status: no assertion criteria provided. Collection method: clinical testing. Allele origin: germline.
Comment: This variant is classified as likely benign based on ACMG/AMP sequence variant interpretation guidelines (Richards et al. 2015 PMID: 25741868, with internal and published modifications).